The following is an entry in ClinVar:

ClinVar aggregate classification (germline): Uncertain significance. Review status: reviewed by expert panel (3 of 4 stars). 9 submissions from 9 submitters: Uncertain significance (1). 8 of the submissions do not count toward it. Last evaluated 2026-05-27.

Conditions:
RUNX1-related disorder. Also called: RUNX1-related condition.
Castleman-Kojima disease. Also called: Thrombocytopenia-anasarca-fever-renal insufficiency-organomegaly syndrome; TAFRO syndrome. Identifiers: Orphanet 457077, MedGen C4552543, MONDO:0018702.
Inborn genetic diseases. Identifiers: MedGen C0950123, MeSH D030342.
Hereditary thrombocytopenia and hematologic cancer predisposition syndrome. Identifiers: Orphanet 71290, MedGen CN281654, MONDO:0011071.
Acute myeloid leukemia (AML). Also called: Leukemia, acute myeloid, somatic; Leukemia, acute myelogenous, somatic; Acute myeloid leukemia, adult; AML adult; Acute non-lymphocytic leukemia; Acute granulocytic leukemia. Identifiers: Orphanet 519, MedGen C0023467, MeSH D015470, MONDO:0018874, OMIM 601626, HP:0004808. Disease mechanism: Constitutively activated FLT3.
Hereditary thrombocytopenia and hematological cancer predisposition syndrome associated with RUNX1. Also called: Familial thrombocytopenia with propensity to acute myelogenous leukemia; RUNX1 Familial Platelet Disorder with Associated Myeloid Malignancies; Familial Platelet Disorder with Propensity to Acute Myelogenous Leukemia; PLATELET DISORDER, ASPIRIN-LIKE. Identifiers: Orphanet 71290, MedGen C1832388, MeSH C563324, MONDO:0100083, OMIM 601399.

Allele frequency attached by ClinVar (database versions not stated): gnomAD exomes below 0.00001; ExAC 0.00001; gnomAD 0.00003; TOPMed 0.00011; 1000 Genomes Project 0.00020; 1000 Genomes Project 30x 0.00031.
gnomAD v4.1: 10 of 1,613,142 alleles (0.00062%); highest among the groups gnomAD compares: Admixed American, 0.0083%; no homozygotes.

Submissions (9):

ClinGen Myeloid Malignancy Variant Curation Expert Panel
Classification: Uncertain significance for Hereditary thrombocytopenia and hematologic cancer predisposition syndrome. Last evaluated: 2026-05-27. Review status: reviewed by expert panel. Criteria: ClinGen MyeloMalig ACMG Specifications V3.1. Collection method: curation. Allele origin: germline. Inheritance: Autosomal dominant inheritance.
Comment: NM_001754.4(RUNX1):c.259G>T (p.Gly87Cys) is a missense variant which has a REVEL score ≥ 0.88 (0.918) (PP3). This variant has been reported in one proband meeting at least one of the RUNX1-phenotypic criteria (PS4_ Supporting; PMID: 32051554) and transactivation assays demonstrates altered transactivation (<20% of wt) (PS3_Moderate; PMID: 32051554). In summary, the clinical significance of this variant is uncertain. ACMG/AMP criteria applied, as specified by the Myeloid Malignancy Variant Curation Expert Panel for RUNX1: PP3, PS4_supporting, PS3_moderate.

Labcorp Genetics (formerly Invitae), Labcorp
Classification: Uncertain significance for Hereditary thrombocytopenia and hematological cancer predisposition syndrome associated with RUNX1. Last evaluated: 2025-10-26. Review status: criteria provided, single submitter. Criteria: Invitae Variant Classification Sherloc (09022015). Collection method: clinical testing. Allele origin: germline. Not counted in ClinVar's aggregate classification.
Comment: This sequence change replaces glycine, which is neutral and non-polar, with cysteine, which is neutral and slightly polar, at codon 87 of the RUNX1 protein (p.Gly87Cys). This variant is present in population databases (rs561166961, gnomAD 0.003%). This missense change has been observed in individual(s) with iMCD-TAFRO syndrome (PMID: 31309983, 32051554). This variant is also known as p.Gly60Cys. ClinVar contains an entry for this variant (Variation ID: 436618). Invitae Evidence Modeling of protein sequence and biophysical properties (such as structural, functional, and spatial information, amino acid conservation, physicochemical variation, residue mobility, and thermodynamic stability) has been performed for this missense variant. However, the output from this modeling did not meet the statistical confidence thresholds required to predict the impact of this variant on RUNX1 protein function. Experimental studies are conflicting or provide insufficient evidence to determine the effect of this variant on RUNX1 function (PMID: 32051554, 33692461). RNA analysis performed to evaluate the impact of this missense change on mRNA splicing indicates it does not significantly alter splicing (internal data). In summary, the available evidence is currently insufficient to determine the role of this variant in disease. Therefore, it has been classified as a Variant of Uncertain Significance.

Ambry Genetics
Classification: Uncertain significance for Inborn genetic diseases. Last evaluated: 2024-12-17. Review status: criteria provided, single submitter. Criteria: Ambry Variant Classification Scheme 2023. Collection method: clinical testing. Allele origin: germline. Not counted in ClinVar's aggregate classification.
Comment: The p.G87C variant (also known as c.259G>T), located in coding exon 3 of the RUNX1 gene, results from a G to T substitution at nucleotide position 259. The glycine at codon 87 is replaced by cysteine, an amino acid with highly dissimilar properties. Several functional studies assessing transcriptional activity reported conflicting findings for this variant (Decker M et al. Leukemia, 2021 Nov;35:3304-3308; Yoshimi A et al. Oncogene, 2020 Apr;39:3218-3225; Li Y et al. J Clin Invest, 2021 Jun;131:). This amino acid position is well conserved in available vertebrate species. In addition, this alteration is predicted to be deleterious by in silico analysis. Based on the available evidence, the clinical significance of this variant remains unclear.

Genomic Medicine Center of Excellence, King Faisal Specialist Hospital and Research Centre
Classification: Uncertain significance for Hereditary thrombocytopenia and hematological cancer predisposition syndrome associated with RUNX1. Last evaluated: 2024-03-26. Review status: criteria provided, single submitter. Criteria: ACMG Guidelines, 2015. Collection method: clinical testing. Allele origin: germline. Not counted in ClinVar's aggregate classification.

GeneDx
Classification: Uncertain significance. Last evaluated: 2024-02-28. Review status: criteria provided, single submitter. Criteria: GeneDx Variant Classification Process June 2021. Collection method: clinical testing. Allele origin: germline. Affected: yes. Not counted in ClinVar's aggregate classification.
Comment: Observed in the germline of individuals with pediatric B-ALL and iMCD-TAFRO (PMID: 31309983, 34166225); Published functional studies are conflicting regarding the effect of this variant on transcriptional activity and protein production (PMID: 32051554, 34166225, 33692461); In silico analysis supports that this missense variant has a deleterious effect on protein structure/function; Not observed at significant frequency in large population cohorts (gnomAD); Also known as p.(G60C); This variant is associated with the following publications: (PMID: 34859285, 23819521, 31978184, 33692461, 32051554, 34166225, 31309983)

Baylor Genetics
Classification: Uncertain significance for Acute myeloid leukemia. Last evaluated: 2023-11-09. Review status: criteria provided, single submitter. Criteria: ACMG Guidelines, 2015. Collection method: clinical testing. Allele origin: unknown. Not counted in ClinVar's aggregate classification.

Genetic Services Laboratory, University of Chicago
Classification: Uncertain significance. Last evaluated: 2017-03-02. Review status: criteria provided, single submitter. Criteria: ACMG Guidelines, 2015. Collection method: clinical testing. Allele origin: germline. Affected: no. Not counted in ClinVar's aggregate classification.

PreventionGenetics, part of Exact Sciences
Classification: Uncertain significance for RUNX1-related condition. Last evaluated: 2024-06-27. Review status: no assertion criteria provided. Collection method: clinical testing. Allele origin: germline. Not counted in ClinVar's aggregate classification.
Comment: The RUNX1 c.259G>T variant is predicted to result in the amino acid substitution p.Gly87Cys. This variant has been reported in the literature in several individuals with iMCD-TAFRO syndrome and in a pediatric B-ALL patient (Weinberg et al. 2019, Table 4. PubMed ID: 31309983; Yoshimi et al. 2020, Table 2. PubMed ID: 32051554; Li et al. 2021, Table 1. PubMed ID: 34166225; Decker et al. 2021, Table B. PubMed ID: 33692461). Functional studies are inconclusive regarding the pathogenicity of this variant (Yoshimi et al. 2020. PubMed ID: 32051554; Decker et al. 2021. PubMed ID: 33692461; Li et al. 2021. PubMed ID: 34166225). This variant is alternatively referred to as c.178G>T p.Gly60Cys (NM_001001890) in the literature. This variant is absent in a large population database, indicating this variant is rare. This variant is interpreted as a variant of uncertain significance by multiple submitters in ClinVar. At this time, the clinical significance of this variant is uncertain due to the absence of conclusive functional and genetic evidence.

Xiao lab, Department of Pathology, Memorial Sloan Kettering Cancer Center
Classification: Likely pathogenic for TAFRO syndrome. Last evaluated: 2019-08-12. Review status: no assertion criteria provided. Collection method: clinical testing. Allele origin: germline. Affected: yes. Not counted in ClinVar's aggregate classification.

Literature cited by the submitters: PubMed 31309983 (cited by Labcorp Genetics (formerly Invitae), Labcorp and Ambry Genetics); PubMed 32051554 (cited by Labcorp Genetics (formerly Invitae), Labcorp and Ambry Genetics); PubMed 33692461 (cited by Labcorp Genetics (formerly Invitae), Labcorp and Ambry Genetics); PubMed 34166225 (cited by Ambry Genetics); PubMed 39256447 (cited by Ambry Genetics).

NM_001754.5(RUNX1):c.259G>T (p.Gly87Cys)

Gene: RUNX1 (RUNX family transcription factor 1; minus strand). Cytogenetic location: 21q22.12.
Variant type: single nucleotide variant.
Coding change: c.259G>T on transcript NM_001754.5 (MANE Select); coding-DNA position 259, G replaced by T.
Protein change: p.Gly87Cys; replaces glycine 87 with cysteine.
Molecular consequence: missense variant.
Genome position (GRCh38, 1-based): chr21:34,886,935, C>A on the plus strand (G>T on the coding strand, the complement: RUNX1 is on the minus strand). VCF-style: chr21-34886935-C-A. GRCh37 (hg19) VCF-style: chr21-36259232-C-A.
Other names: NM_001754.4(RUNX1):c.259G>T; NM_001754.5(RUNX1):c.259G>T; c.178G>T, p.Gly60Cys (NM_001001890.3, NM_001122607.2); short protein forms G87C, G60C.
Identifiers: ClinVar variation 436618 (VCV000436618.20), dbSNP rs561166961, ClinGen allele CA10014559.